The following is an entry in ClinVar:

NM_006236.3(POU3F3):c.943G>A (p.Asp315Asn)

Gene: POU3F3 (POU class 3 homeobox 3; plus strand). Cytogenetic location: 2q12.1.
Variant type: single nucleotide variant.
Coding change: c.943G>A on transcript NM_006236.3 (MANE Select); coding-DNA position 943, G replaced by A.
Protein change: p.Asp315Asn; replaces aspartic acid 315 with asparagine.
Molecular consequence: missense variant.
Genome position (GRCh38, 1-based): chr2:104,856,453, G>A. VCF-style: chr2-104856453-G-A. GRCh37 (hg19) VCF-style: chr2-105472911-G-A.
Other names: c.943G>A, p.Asp315Asn (NM_001433704.1); short protein forms D315N.
Identifiers: ClinVar variation 4530951 (VCV004530951.1).

ClinVar aggregate classification (germline): Uncertain significance (1 of 4 stars; one submission).

Submission:

GeneDx
Classification: Uncertain significance. Last evaluated: 2025-05-19. Review status: criteria provided, single submitter. Criteria: GeneDx Variant Classification Process June 2021. Collection method: clinical testing. Allele origin: germline. Affected: yes.
Comment: Not observed at significant frequency in large population cohorts (gnomAD); In silico analysis supports that this missense variant has a deleterious effect on protein structure/function; Has not been previously published as pathogenic or benign to our knowledge